The following is an entry in ClinVar:

ClinVar aggregate classification (germline): Uncertain significance. Review status: criteria provided, multiple submitters, no conflicts (2 of 4 stars). 3 submissions from 3 submitters: Uncertain significance (3). Last evaluated 2025-08-12.

Conditions:
PLEC-related disorder. Also called: PLEC-related condition; PLEC-related disorders.
Autosomal recessive limb-girdle muscular dystrophy type 2Q (LGMDR17). Also called: MUSCULAR DYSTROPHY, LIMB-GIRDLE, AUTOSOMAL RECESSIVE 17. Identifiers: Orphanet 254361, MedGen C3150989, MONDO:0013390, OMIM 613723.
Epidermolysis bullosa simplex with nail dystrophy (EBS5D). Identifiers: MedGen C4225309, MONDO:0014661, OMIM 616487.
Epidermolysis bullosa simplex 5B, with muscular dystrophy (EBS5B). Also called: EPIDERMOLYSIS BULLOSA SIMPLEX AND LIMB-GIRDLE MUSCULAR DYSTROPHY; Epidermolysis bullosa simplex with muscular dystrophy. Identifiers: Orphanet 257, MedGen C2931072, MONDO:0009181, OMIM 226670.
Epidermolysis bullosa simplex, Ogna type (EBS5A). Also called: Pidermolysis bullosa simplex 5A, Ogna type; EPIDERMOLYSIS BULLOSA SIMPLEX 5A, OGNA TYPE. Identifiers: Orphanet 79401, MedGen C0432317, MONDO:0007555, OMIM 131950.
Epidermolysis bullosa simplex 5C, with pyloric atresia (EBS5C). Also called: PLEC1-Related Epidermolysis Bullosa with Pyloric Atresia; PLEC-Related Epidermolysis Bullosa with Pyloric Atresia; Epidermolysis bullosa simplex with pyloric atresia. Identifiers: Orphanet 158684, MedGen C2677349, MONDO:0012807, OMIM 612138.
Inborn genetic diseases. Identifiers: MedGen C0950123, MeSH D030342.

Allele frequency attached by ClinVar (database versions not stated): gnomAD exomes below 0.00001; TOPMed below 0.00001; ExAC 0.00001; gnomAD 0.00001.
gnomAD v4.1: 7 of 1,605,062 alleles (0.00044%); highest among the groups gnomAD compares: Non-Finnish European, 0.00059%; no homozygotes.

Submissions (3):

Labcorp Genetics (formerly Invitae), Labcorp
Classification: Uncertain significance for Autosomal recessive limb-girdle muscular dystrophy type 2Q; Epidermolysis bullosa simplex, Ogna type; Epidermolysis bullosa simplex with nail dystrophy; Epidermolysis bullosa simplex 5C, with pyloric atresia; Epidermolysis bullosa simplex 5B, with muscular dystrophy. Last evaluated: 2025-08-12. Review status: criteria provided, single submitter. Criteria: Invitae Variant Classification Sherloc (09022015). Collection method: clinical testing. Allele origin: germline.
Comment: This sequence change replaces isoleucine, which is neutral and non-polar, with valine, which is neutral and non-polar, at codon 3053 of the PLEC protein (p.Ile3053Val). The frequency data for this variant in the population databases is considered unreliable, as metrics indicate poor data quality at this position in the gnomAD database. This variant has not been reported in the literature in individuals affected with PLEC-related conditions. ClinVar contains an entry for this variant (Variation ID: 1373690). Invitae Evidence Modeling of protein sequence and biophysical properties (such as structural, functional, and spatial information, amino acid conservation, physicochemical variation, residue mobility, and thermodynamic stability) has been performed for this missense variant. However, the output from this modeling did not meet the statistical confidence thresholds required to predict the impact of this variant on PLEC protein function. In summary, the available evidence is currently insufficient to determine the role of this variant in disease. Therefore, it has been classified as a Variant of Uncertain Significance.

PreventionGenetics, part of Exact Sciences
Classification: Uncertain significance for PLEC-related condition. Last evaluated: 2025-02-21. Review status: criteria provided, single submitter. Criteria: ACMG Guidelines, 2015. Collection method: clinical testing. Allele origin: germline.
Comment: The PLEC c.9157A>G variant is predicted to result in the amino acid substitution p.Ile3053Val. To our knowledge, this variant has not been reported in the literature. This variant is reported in 0.00092% of alleles in individuals of European (Non-Finnish) descent in gnomAD. At this time, the clinical significance of this variant is uncertain due to the absence of conclusive functional and genetic evidence.

Ambry Genetics
Classification: Uncertain significance for Inborn genetic diseases. Last evaluated: 2025-01-17. Review status: criteria provided, single submitter. Criteria: Ambry Variant Classification Scheme 2023. Collection method: clinical testing. Allele origin: germline.

NM_201384.3(PLEC):c.9076A>G (p.Ile3026Val)

Gene: PLEC (plectin; minus strand). Cytogenetic location: 8q24.3.
Variant type: single nucleotide variant.
Coding change: c.9076A>G on transcript NM_201384.3 (MANE Select); coding-DNA position 9076, A replaced by G.
Protein change: p.Ile3026Val; replaces isoleucine 3026 with valine.
Molecular consequence: missense variant.
Genome position (GRCh38, 1-based): chr8:143,920,745, T>C on the plus strand (A>G on the coding strand, the complement: PLEC is on the minus strand). VCF-style: chr8-143920745-T-C. GRCh37 (hg19) VCF-style: chr8-144994913-T-C.
Other names: c.9157A>G (NM_000445.3, NM_000445.4); c.9157A>G, p.Ile3053Val (NM_000445.5); c.9034A>G, p.Ile3012Val (NM_201378.4); c.9010A>G, p.Ile3004Val (NM_201379.3); c.9487A>G, p.Ile3163Val (NM_201380.4); c.8980A>G, p.Ile2994Val (NM_201381.3); c.9076A>G, p.Ile3026Val (NM_201382.4); c.9088A>G, p.Ile3030Val (NM_201383.3); short protein forms I3012V, I3004V, I3053V, I2994V, I3026V, I3030V, I3163V.
Identifiers: ClinVar variation 1373690 (VCV001373690.8), dbSNP rs782711547, ClinGen allele CA4925085.
Genomic context (GRCh38, chr8:143,920,745, plus strand): 5'-TCTTCAGGGCATTGTAGATACTCAGCTTCTGCCCCGCCTCCTCCAGCCATACACCCGCGA[T>C]GACGTTGGCACCCCGGAGAGCCCGCCGCACAGTGTCCACCTCGGCTACGTCTCGCACAGA-3'
Protein context (NP_958786.1, residues 3016-3036): VRRALRGANV[Ile3026Val]AGVWLEEAGQ